The following is an entry in ClinVar:

ClinVar aggregate classification (germline): Likely benign (0 of 4 stars; one submission).

Conditions:
NPHP3-related disorder. Also called: NPHP3-related disorders; NPHP3-related condition. Identifiers: MedGen CN379163.

Submission:

PreventionGenetics, part of Exact Sciences
Classification: Likely benign for NPHP3-related condition. Last evaluated: 2024-03-01. Review status: no assertion criteria provided. Collection method: clinical testing. Allele origin: germline.
Comment: This variant is classified as likely benign based on ACMG/AMP sequence variant interpretation guidelines (Richards et al. 2015 PMID: 25741868, with internal and published modifications).

NM_153240.5(NPHP3):c.261G>A (p.Ala87=)

Genes: NPHP3 (nephrocystin 3; minus strand), NPHP3-ACAD11 (NPHP3-ACAD11 readthrough (NMD candidate); minus strand), NPHP3-AS1 (NPHP3 antisense RNA 1; plus strand), LOC129937586 (ATAC-STARR-seq lymphoblastoid silent region 14743; plus strand). Cytogenetic location: 3q22.1.
Variant type: single nucleotide variant.
Coding change: c.261G>A on transcript NM_153240.5 (MANE Select); coding-DNA position 261, G replaced by A.
Protein change: p.Ala87=; no amino-acid change (alanine 87 retained).
Molecular consequence: synonymous variant. On other transcripts: non-coding transcript variant (3).
Genome position (GRCh38, 1-based): chr3:132,722,095, C>T on the plus strand (G>A on the coding strand, the complement: NPHP3 is on the minus strand). VCF-style: chr3-132722095-C-T. GRCh37 (hg19) VCF-style: chr3-132440939-C-T.
Identifiers: ClinVar variation 3061194 (VCV003061194.2), dbSNP rs755748507, ClinGen allele CA436088835.